The following is an entry in ClinVar:

NM_000543.5(SMPD1):c.1091+45A>G

Gene: SMPD1 (sphingomyelin phosphodiesterase 1; plus strand). Cytogenetic location: 11p15.4.
Variant type: single nucleotide variant.
Coding change: c.1091+45A>G on transcript NM_000543.5 (MANE Select); 45 bases into the intron after coding-DNA position 1091, A replaced by G.
Molecular consequence: intron variant.
Genome position (GRCh38, 1-based): chr11:6,392,201, A>G. VCF-style: chr11-6392201-A-G. GRCh37 (hg19) VCF-style: chr11-6413431-A-G.
Other names: c.170+5A>G (NM_001318088.2); c.1131+5A>G (NM_001365135.2); c.1091+45A>G (NM_001318087.2); c.1088+45A>G (NM_001007593.3).
Identifiers: ClinVar variation 3602085 (VCV003602085.2).
Genomic context (GRCh38, chr11:6,392,201, plus strand): 5'-CCCTGCGCACCCTCAGGTACTTATCGTCCGTGGAAACCCAGGAAGGGAAAAGAAAGGTGA[A>G]TGAAAGTGAAGGGAGAAGGGAACCTGGGGCATTGTCTCTGATTGCTCTAGCATGAGTCCT-3'

ClinVar aggregate classification (germline): Uncertain significance. Review status: criteria provided, single submitter (1 of 4 stars). 2 submissions from 1 submitter: Uncertain significance (2). Last evaluated 2025-10-14.

Conditions:
Niemann-Pick disease, type B. Also called: Chronic Visceral ASMD (Niemann-Pick Disease Type B; NPD-B). Identifiers: Orphanet 77293, MedGen C0268243, MONDO:0011871, OMIM 607616. Disease mechanism: loss of function.
Niemann-Pick disease, type A. Also called: SPHINGOMYELIN LIPIDOSIS; SPHINGOMYELINASE DEFICIENCY; Infantile Neurovisceral ASMD (Niemann-Pick Disease Type A; NPD-A). Identifiers: Orphanet 77292, MedGen C0268242, MONDO:0009756, OMIM 257200. Disease mechanism: loss of function.

Submissions (2):

Foundation for Research in Genetics and Endocrinology, FRIGE's Institute of Human Genetics
Classification: Uncertain significance for Niemann-Pick disease, type A; Niemann-Pick disease, type B. Last evaluated: 2025-10-14. Review status: criteria provided, single submitter. Criteria: ACMG Guidelines, 2015. Collection method: clinical testing. Allele origin: germline. Inheritance: Autosomal recessive inheritance. Affected: yes. Observed: 1 homozygote.
Comment: A homozygous variation in intron 2 of the SMPD1 gene was detected. The observed variant c.1091+45A>G has not been reported in the 1000 genomes and ExAC databases. The in silico prediction of the variant is damaging by SpliceAI. The reference codon is conserved across species. In summary, the variant meets our criteria to be classified as uncertain significance.

Foundation for Research in Genetics and Endocrinology, FRIGE's Institute of Human Genetics
Classification: Uncertain significance for Niemann-Pick disease, type B. Last evaluated: 2025-01-15. Review status: criteria provided, single submitter. Criteria: ACMG Guidelines, 2015. Collection method: clinical testing. Allele origin: germline. Inheritance: Autosomal recessive inheritance. Affected: yes. Observed: 1 homozygote.
Comment: A homozygous splice site variant in intron 2 of the SMPD1 gene was detected. The observed variant c.1091+45A>G has not been reported in the 1000 genomes and has a MAF of 0.0008% in the gnomAD databases. The in-silico prediction of the variant is splice altering/ moderate by SpliceAI and benign by dbscSNV. In summary, the variant meets our criteria to be classified as a variant of uncertain significance.